The following is an entry in ClinVar:

ClinVar aggregate classification (germline): Uncertain significance (1 of 4 stars; one submission).

Conditions:
Progressive sclerosing poliodystrophy (MTDPS4A). Also called: Mitochondrial DNA depletion syndrome 4A (Alpers type); ALPERS PROGRESSIVE INFANTILE POLIODYSTROPHY; NEURONAL DEGENERATION OF CHILDHOOD WITH LIVER DISEASE, PROGRESSIVE; Mitochondrial DNA Depletion Syndrome 4A; Alpers-Huttenlocher Syndrome (AHS); Alpers Syndrome. Identifiers: Orphanet 726, MedGen C0205710, MONDO:0008758, OMIM 203700.

Allele frequency attached by ClinVar (database versions not stated): TOPMed below 0.00001; gnomAD exomes 0.00001; ExAC 0.00002.
gnomAD v4.1: 3 of 1,614,194 alleles (0.00019%); highest among the groups gnomAD compares: Admixed American, 0.0017%; no homozygotes.

Submission:

Labcorp Genetics (formerly Invitae), Labcorp
Classification: Uncertain significance for Progressive sclerosing poliodystrophy. Last evaluated: 2020-11-13. Review status: criteria provided, single submitter. Criteria: Invitae Variant Classification Sherloc (09022015). Collection method: clinical testing. Allele origin: germline.
Comment: This sequence change replaces glycine with alanine at codon 522 of the POLG protein (p.Gly522Ala). The glycine residue is moderately conserved and there is a small physicochemical difference between glycine and alanine. This variant is present in population databases (rs769410234, ExAC 0.006%). This variant has not been reported in the literature in individuals with POLG-related conditions. Advanced modeling of protein sequence and biophysical properties (such as structural, functional, and spatial information, amino acid conservation, physicochemical variation, residue mobility, and thermodynamic stability) performed at Invitae indicates that this missense variant is expected to disrupt POLG protein function. In summary, the available evidence is currently insufficient to determine the role of this variant in disease. Therefore, it has been classified as a Variant of Uncertain Significance.

NM_002693.3(POLG):c.1565G>C (p.Gly522Ala)

Gene: POLG (DNA polymerase gamma, catalytic subunit; minus strand). Cytogenetic location: 15q26.1.
Variant type: single nucleotide variant.
Coding change: c.1565G>C on transcript NM_002693.3 (MANE Select); coding-DNA position 1565, G replaced by C.
Protein change: p.Gly522Ala; replaces glycine 522 with alanine.
Molecular consequence: missense variant.
Genome position (GRCh38, 1-based): chr15:89,326,932, C>G on the plus strand (G>C on the coding strand, the complement: POLG is on the minus strand). VCF-style: chr15-89326932-C-G. GRCh37 (hg19) VCF-style: chr15-89870163-C-G.
Other names: c.1565G>C, p.Gly522Ala (NM_001126131.2); short protein forms G522A.
Identifiers: ClinVar variation 1483913 (VCV001483913.8), dbSNP rs769410234, ClinGen allele CA7724805.